The following is an entry in ClinVar:

ClinVar aggregate classification (germline): Pathogenic (1 of 4 stars; one submission).

Conditions:
Long QT syndrome (LQTS). Identifiers: MedGen C0023976, MeSH D008133, MONDO:0002442. Disease mechanism: loss of function. Inheritance: Various modes of inheritance.

Submission:

Labcorp Genetics (formerly Invitae), Labcorp
Classification: Pathogenic for Long QT syndrome. Last evaluated: 2024-04-24. Review status: criteria provided, single submitter. Criteria: Invitae Variant Classification Sherloc (09022015). Collection method: clinical testing. Allele origin: germline.
Comment: This sequence change creates a premature translational stop signal (p.Tyr542*) in the KCNH2 gene. It is expected to result in an absent or disrupted protein product. Loss-of-function variants in KCNH2 are known to be pathogenic (PMID: 10973849, 19862833). This variant is not present in population databases (gnomAD no frequency). This variant has not been reported in the literature in individuals affected with KCNH2-related conditions. For these reasons, this variant has been classified as Pathogenic.

Literature cited by the submitters: PubMed 10973849; PubMed 19862833.

NM_000238.4(KCNH2):c.1626C>A (p.Tyr542Ter)

Gene: KCNH2 (potassium voltage-gated channel subfamily H member 2; minus strand). Cytogenetic location: 7q36.1.
Variant type: single nucleotide variant.
Coding change: c.1626C>A on transcript NM_000238.4 (MANE Select); coding-DNA position 1626, C replaced by A.
Protein change: p.Tyr542Ter; replaces tyrosine 542 with a stop codon.
Molecular consequence: nonsense. On other transcripts: non-coding transcript variant (2).
Genome position (GRCh38, 1-based): chr7:150,951,767, G>T on the plus strand (C>A on the coding strand, the complement: KCNH2 is on the minus strand). VCF-style: chr7-150951767-G-T. GRCh37 (hg19) VCF-style: chr7-150648855-G-T.
Other names: c.606C>A, p.Tyr202Ter (NM_001204798.2, NM_172057.3); c.1338C>A, p.Tyr446Ter (NM_001406753.1, NM_001406756.1); c.1449C>A, p.Tyr483Ter (NM_001406755.1); c.1326C>A, p.Tyr442Ter (NM_001406757.1); c.1626C>A, p.Tyr542Ter (NM_172056.3); short protein forms Y202*, Y442*, Y446*, Y483*, Y542*.
Identifiers: ClinVar variation 2748626 (VCV002748626.3), dbSNP rs1213743769, ClinGen allele CA369859049.